The following is an entry in ClinVar:

NM_139242.4(MTFMT):c.776A>G (p.Glu259Gly)

Gene: MTFMT (mitochondrial methionyl-tRNA formyltransferase; minus strand). Cytogenetic location: 15q22.31.
Variant type: single nucleotide variant.
Coding change: c.776A>G on transcript NM_139242.4 (MANE Select); coding-DNA position 776, A replaced by G.
Protein change: p.Glu259Gly; replaces glutamic acid 259 with glycine.
Molecular consequence: missense variant.
Genome position (GRCh38, 1-based): chr15:65,016,473, T>C on the plus strand (A>G on the coding strand, the complement: MTFMT is on the minus strand). VCF-style: chr15-65016473-T-C. GRCh37 (hg19) VCF-style: chr15-65308811-T-C.
Other names: short protein forms E259G.
Identifiers: ClinVar variation 1806631 (VCV001806631.6), dbSNP rs781584640, ClinGen allele CA7613248.
Genomic context (GRCh38, chr15:65,016,473, plus strand): 5'-TGCAACCTGACTTCCCAACTTACTATATTTCCAATGGCACGGTAAAGTCTGAATATTTGT[T>C]CTGAAGTTTGTTCCTCCCATTTTATACAACTGGTACCAGCAGAAATCTTAGGGGCTACAA-3'
Protein context (NP_640335.2, residues 249-269): SCIKWEEQTS[Glu259Gly]QIFRLYRAIG

ClinVar aggregate classification (germline): Uncertain significance. Review status: criteria provided, multiple submitters, no conflicts (2 of 4 stars). 3 submissions from 3 submitters: Uncertain significance (3). Last evaluated 2025-06-18.

Conditions:
Inborn genetic diseases. Identifiers: MedGen C0950123, MeSH D030342.

Allele frequency attached by ClinVar (database versions not stated): ExAC 0.00001; gnomAD 0.00001; TOPMed 0.00002; gnomAD exomes 0.00003.
gnomAD v4.1: 40 of 1,612,548 alleles (0.0025%); highest among the groups gnomAD compares: Non-Finnish European, 0.0028%; no homozygotes.

Submissions (3):

Ambry Genetics
Classification: Uncertain significance for Inborn genetic diseases. Last evaluated: 2025-06-18. Review status: criteria provided, single submitter. Criteria: Ambry Variant Classification Scheme 2023. Collection method: clinical testing. Allele origin: germline.

GeneDx
Classification: Uncertain significance. Last evaluated: 2022-06-23. Review status: criteria provided, single submitter. Criteria: GeneDx Variant Classification Process June 2021. Collection method: clinical testing. Allele origin: germline. Affected: yes.
Comment: Not observed at significant frequency in large population cohorts (gnomAD); In silico analysis supports that this missense variant has a deleterious effect on protein structure/function; Has not been previously published as pathogenic or benign to our knowledge

Labcorp Genetics (formerly Invitae), Labcorp
Classification: Uncertain significance. Last evaluated: 2022-03-29. Review status: criteria provided, single submitter. Criteria: Invitae Variant Classification Sherloc (09022015). Collection method: clinical testing. Allele origin: germline.
Comment: In summary, the available evidence is currently insufficient to determine the role of this variant in disease. Therefore, it has been classified as a Variant of Uncertain Significance. Algorithms developed to predict the effect of missense changes on protein structure and function are either unavailable or do not agree on the potential impact of this missense change (SIFT: "Tolerated"; PolyPhen-2: "Possibly Damaging"; Align-GVGD: "Class C0"). This variant has not been reported in the literature in individuals affected with MTFMT-related conditions. This variant is present in population databases (rs781584640, gnomAD 0.01%). This sequence change replaces glutamic acid, which is acidic and polar, with glycine, which is neutral and non-polar, at codon 259 of the MTFMT protein (p.Glu259Gly).